The following is an entry in ClinVar:

NM_032119.4(ADGRV1):c.10549+5G>A

Gene: ADGRV1 (adhesion G protein-coupled receptor V1; plus strand). Cytogenetic location: 5q14.3.
Variant type: single nucleotide variant.
Coding change: c.10549+5G>A on transcript NM_032119.4 (MANE Select); 5 bases into the intron after coding-DNA position 10549, G replaced by A.
Molecular consequence: intron variant.
Genome position (GRCh38, 1-based): chr5:90,729,769, G>A. VCF-style: chr5-90729769-G-A. GRCh37 (hg19) VCF-style: chr5-90025586-G-A.
Identifiers: ClinVar variation 1493111 (VCV001493111.3), dbSNP rs780211912, ClinGen allele CA3340772.

ClinVar aggregate classification (germline): Uncertain significance (1 of 4 stars; one submission).

Allele frequency attached by ClinVar (database versions not stated): gnomAD exomes below 0.00001 and 0.00001; ExAC 0.00001; gnomAD 0.00001; TOPMed 0.00002.
gnomAD v4.1: 9 of 1,612,884 alleles (0.00056%); highest among the groups gnomAD compares: Non-Finnish European, 0.00068%; no homozygotes.

Submission:

Labcorp Genetics (formerly Invitae), Labcorp
Classification: Uncertain significance. Last evaluated: 2021-11-30. Review status: criteria provided, single submitter. Criteria: Invitae Variant Classification Sherloc (09022015). Collection method: clinical testing. Allele origin: germline.
Comment: This sequence change falls in intron 50 of the ADGRV1 gene. It does not directly change the encoded amino acid sequence of the ADGRV1 protein. It affects a nucleotide within the consensus splice site. This variant is present in population databases (rs780211912, gnomAD 0.0009%). This variant has not been reported in the literature in individuals affected with ADGRV1-related conditions. Variants that disrupt the consensus splice site are a relatively common cause of aberrant splicing (PMID: 17576681, 9536098). Algorithms developed to predict the effect of sequence changes on RNA splicing suggest that this variant may disrupt the consensus splice site. In summary, the available evidence is currently insufficient to determine the role of this variant in disease. Therefore, it has been classified as a Variant of Uncertain Significance.

Literature cited by the submitters: PubMed 17576681; PubMed 9536098.